The following is an entry in ClinVar:

ClinVar aggregate classification (germline): Uncertain significance. Review status: criteria provided, multiple submitters, no conflicts (2 of 4 stars). 3 submissions from 3 submitters: Uncertain significance (3). Last evaluated 2024-03-09.

Conditions:
Idiopathic Pulmonary Fibrosis. Also called: Idiopathic fibrosing alveolitis, chronic form; idiopathic fibrosing alveolitis. Identifiers: Orphanet 2032, MedGen C1800706, MeSH D054990, MONDO:0800504.
Dyskeratosis congenita, autosomal dominant 2. Identifiers: MedGen C3151443, MONDO:0013521, OMIM 613989.
Dyskeratosis congenita. Identifiers: Orphanet 1775, MedGen C0265965, MONDO:0015780.

Allele frequency attached by ClinVar (database versions not stated): gnomAD exomes below 0.00001; TOPMed below 0.00001.
gnomAD v4.1: 1 of 1,537,934 alleles (0.000065%); highest among the groups gnomAD compares: East Asian, 0.0024%; no homozygotes.

Submissions (3):

Ambry Genetics
Classification: Uncertain significance for Dyskeratosis congenita. Last evaluated: 2024-03-09. Review status: criteria provided, single submitter. Criteria: Ambry Variant Classification Scheme 2023. Collection method: clinical testing. Allele origin: germline.
Comment: The p.R72C variant (also known as c.214C>T), located in coding exon 1 of the TERT gene, results from a C to T substitution at nucleotide position 214. The arginine at codon 72 is replaced by cysteine, an amino acid with highly dissimilar properties. This amino acid position is conserved. In addition, the in silico prediction for this alteration is inconclusive. Based on the available evidence, the clinical significance of this alteration remains unclear.

Baylor Genetics
Classification: Uncertain significance for Dyskeratosis congenita, autosomal dominant 2. Last evaluated: 2023-11-21. Review status: criteria provided, single submitter. Criteria: ACMG Guidelines, 2015. Collection method: clinical testing. Allele origin: unknown.

Labcorp Genetics (formerly Invitae), Labcorp
Classification: Uncertain significance for Dyskeratosis congenita, autosomal dominant 2; Idiopathic Pulmonary Fibrosis. Last evaluated: 2022-02-25. Review status: criteria provided, single submitter. Criteria: Invitae Variant Classification Sherloc (09022015). Collection method: clinical testing. Allele origin: germline.
Comment: In summary, the available evidence is currently insufficient to determine the role of this variant in disease. Therefore, it has been classified as a Variant of Uncertain Significance. Advanced modeling of protein sequence and biophysical properties (such as structural, functional, and spatial information, amino acid conservation, physicochemical variation, residue mobility, and thermodynamic stability) performed at Invitae indicates that this missense variant is expected to disrupt TERT protein function. This variant has not been reported in the literature in individuals affected with TERT-related conditions. This variant is not present in population databases (gnomAD no frequency). This sequence change replaces arginine, which is basic and polar, with cysteine, which is neutral and slightly polar, at codon 72 of the TERT protein (p.Arg72Cys).

NM_198253.3(TERT):c.214C>T (p.Arg72Cys)

Genes: TERT (telomerase reverse transcriptase; minus strand), LOC110806263 (TERT 5' regulatory region; plus strand). Cytogenetic location: 5p15.33.
Variant type: single nucleotide variant.
Coding change: c.214C>T on transcript NM_198253.3 (MANE Select); coding-DNA position 214, C replaced by T.
Protein change: p.Arg72Cys; replaces arginine 72 with cysteine.
Molecular consequence: missense variant. On other transcripts: non-coding transcript variant (2).
Genome position (GRCh38, 1-based): chr5:1,294,776, G>A on the plus strand (C>T on the coding strand, the complement: TERT is on the minus strand). VCF-style: chr5-1294776-G-A. GRCh37 (hg19) VCF-style: chr5-1294891-G-A.
Other names: c.214C>T (NM_198253.2); c.214C>T, p.Arg72Cys (NM_001193376.3); short protein forms R72C.
Identifiers: ClinVar variation 1462938 (VCV001462938.8), dbSNP rs943289163, ClinGen allele CA112915532.